The following is an entry in ClinVar:

NM_020461.4(TUBGCP6):c.4378G>A (p.Asp1460Asn)

Gene: TUBGCP6 (tubulin gamma complex component 6; minus strand). Cytogenetic location: 22q13.33.
Variant type: single nucleotide variant.
Coding change: c.4378G>A on transcript NM_020461.4 (MANE Select); coding-DNA position 4378, G replaced by A.
Protein change: p.Asp1460Asn; replaces aspartic acid 1460 with asparagine.
Molecular consequence: missense variant.
Genome position (GRCh38, 1-based): chr22:50,219,394, C>T on the plus strand (G>A on the coding strand, the complement: TUBGCP6 is on the minus strand). VCF-style: chr22-50219394-C-T. GRCh37 (hg19) VCF-style: chr22-50657823-C-T.
Other names: short protein forms D1460N.
Identifiers: ClinVar variation 1928204 (VCV001928204.6), dbSNP rs570025532, ClinGen allele CA10307526.

ClinVar aggregate classification (germline): Uncertain significance. Review status: criteria provided, multiple submitters, no conflicts (2 of 4 stars). 3 submissions from 3 submitters: Uncertain significance (3). Last evaluated 2022-12-21.

Conditions:
Intellectual disability. Also called: Intellectual functioning disability; intellectual disabilities; Intellectual developmental disorder. Identifiers: MedGen C3714756, MeSH D008607, MONDO:0001071, HP:0001249.
Inborn genetic diseases. Identifiers: MedGen C0950123, MeSH D030342.

Allele frequency attached by ClinVar (database versions not stated): gnomAD 0.00005; 1000 Genomes Project 0.00040; ExAC 0.00014; 1000 Genomes Project 30x 0.00031.

Submissions (3):

Ambry Genetics
Classification: Uncertain significance for Inborn genetic diseases. Last evaluated: 2022-12-21. Review status: criteria provided, single submitter. Criteria: Ambry Variant Classification Scheme 2023. Collection method: clinical testing. Allele origin: germline.

Labcorp Genetics (formerly Invitae), Labcorp
Classification: Uncertain significance. Last evaluated: 2022-04-27. Review status: criteria provided, single submitter. Criteria: Invitae Variant Classification Sherloc (09022015). Collection method: clinical testing. Allele origin: germline.
Comment: In summary, the available evidence is currently insufficient to determine the role of this variant in disease. Therefore, it has been classified as a Variant of Uncertain Significance. Algorithms developed to predict the effect of sequence changes on RNA splicing suggest that this variant may disrupt the consensus splice site. Algorithms developed to predict the effect of missense changes on protein structure and function are either unavailable or do not agree on the potential impact of this missense change (SIFT: "Tolerated"; PolyPhen-2: "Probably Damaging"; Align-GVGD: "Class C0"). This variant has not been reported in the literature in individuals affected with TUBGCP6-related conditions. This variant is present in population databases (rs570025532, gnomAD 0.02%). This sequence change replaces aspartic acid, which is acidic and polar, with asparagine, which is neutral and polar, at codon 1460 of the TUBGCP6 protein (p.Asp1460Asn).

Cambridge Genomics Laboratory, East Genomic Laboratory Hub, NHS Genomic Medicine Service
Classification: Uncertain significance for Intellectual disability. Last evaluated: 2020-01-04. Review status: criteria provided, single submitter. Criteria: ACGS Best Practice Guidelines for Variant Classification in Rare Disease 2020. Collection method: clinical testing. Allele origin: germline. Affected: yes. Observed: 1 variant allele.